The following is an entry in ClinVar:

ClinVar aggregate classification (germline): Likely pathogenic (1 of 4 stars; one submission).

Conditions:
Nemaline myopathy 2 (NEM2). Also called: Nemaline myopathy 2, autosomal recessive. Identifiers: MedGen C1850569, MONDO:0009725, OMIM 256030.

Submission:

Labcorp Genetics (formerly Invitae), Labcorp
Classification: Likely pathogenic for Nemaline myopathy 2. Last evaluated: 2023-03-04. Review status: criteria provided, single submitter. Criteria: Invitae Variant Classification Sherloc (09022015). Collection method: clinical testing. Allele origin: germline.
Comment: This sequence change affects a donor splice site in intron 175 of the NEB gene. It is expected to disrupt RNA splicing. Variants that disrupt the donor or acceptor splice site typically lead to a loss of protein function (PMID: 16199547), and loss-of-function variants in NEB are known to be pathogenic (PMID: 25205138). This variant is not present in population databases (gnomAD no frequency). In summary, the currently available evidence indicates that the variant is pathogenic, but additional data are needed to prove that conclusively. Therefore, this variant has been classified as Likely Pathogenic. Algorithms developed to predict the effect of sequence changes on RNA splicing suggest that this variant may disrupt the consensus splice site. ClinVar contains an entry for this variant (Variation ID: 1500738). This variant has not been reported in the literature in individuals affected with NEB-related conditions.

Literature cited by the submitters: PubMed 16199547; PubMed 25205138.

NM_001164508.2(NEB):c.24579+2T>C

Genes: NEB (nebulin; minus strand), RIF1 (replication timing regulatory factor 1; plus strand). Cytogenetic location: 2q23.3.
Variant type: single nucleotide variant.
Coding change: c.24579+2T>C on transcript NM_001164508.2 (MANE Select); the canonical splice donor site of the intron after coding-DNA position 24579, T replaced by C.
Molecular consequence: splice donor variant.
Genome position (GRCh38, 1-based): chr2:151,494,159, A>G on the plus strand (T>C on the coding strand, the complement: NEB is on the minus strand). VCF-style: chr2-151494159-A-G. GRCh37 (hg19) VCF-style: chr2-152350673-A-G.
Other names: c.19011+2T>C (NM_004543.5); c.24579+2T>C (NM_001164507.2); c.24684+2T>C (NM_001271208.2).
Identifiers: ClinVar variation 1500738 (VCV001500738.6), dbSNP rs1039759571, ClinGen allele CA348776574.